The following is an entry in ClinVar:

NM_080632.3(UPF3B):c.1052A>G (p.Glu351Gly)

Gene: UPF3B (UPF3B regulator of nonsense mediated mRNA decay; minus strand). Cytogenetic location: Xq24.
Variant type: single nucleotide variant.
Coding change: c.1052A>G on transcript NM_080632.3 (MANE Select); coding-DNA position 1052, A replaced by G.
Protein change: p.Glu351Gly; replaces glutamic acid 351 with glycine.
Molecular consequence: missense variant.
Genome position (GRCh38, 1-based): chrX:119,838,007, T>C on the plus strand (A>G on the coding strand, the complement: UPF3B is on the minus strand). VCF-style: chrX-119838007-T-C. GRCh37 (hg19) VCF-style: chrX-118971970-T-C.
Other names: c.1013A>G, p.Glu338Gly (NM_023010.4); short protein forms E338G, E351G.
Identifiers: ClinVar variation 1954813 (VCV001954813.5), dbSNP rs757253031, ClinGen allele CA10503199.

ClinVar aggregate classification (germline): Uncertain significance (1 of 4 stars; one submission).

Conditions:
Intellectual developmental disorder, X-linked, syndromic 14. Also called: Syndromic X-linked intellectual disability 14. Identifiers: Orphanet 776, MedGen C1970822, MONDO:0010398, OMIM 300676.

Allele frequency attached by ClinVar (database versions not stated): gnomAD exomes 0.00001; TOPMed 0.00001; gnomAD 0.00003; ExAC 0.00001.

Submission:

Labcorp Genetics (formerly Invitae), Labcorp
Classification: Uncertain significance for Intellectual developmental disorder, X-linked, syndromic 14. Last evaluated: 2022-09-05. Review status: criteria provided, single submitter. Criteria: Invitae Variant Classification Sherloc (09022015). Collection method: clinical testing. Allele origin: germline.
Comment: In summary, the available evidence is currently insufficient to determine the role of this variant in disease. Therefore, it has been classified as a Variant of Uncertain Significance. Algorithms developed to predict the effect of missense changes on protein structure and function (SIFT, PolyPhen-2, Align-GVGD) all suggest that this variant is likely to be tolerated. This variant has not been reported in the literature in individuals affected with UPF3B-related conditions. This variant is present in population databases (rs757253031, gnomAD 0.02%), including at least one homozygous and/or hemizygous individual. This sequence change replaces glutamic acid, which is acidic and polar, with glycine, which is neutral and non-polar, at codon 351 of the UPF3B protein (p.Glu351Gly).